The following is an entry in ClinVar:

ClinVar aggregate classification (germline): Uncertain significance (1 of 4 stars; one submission).

Conditions:
Osteoporosis, childhood- or juvenile-onset, with developmental delay. Identifiers: MedGen C5676992, MONDO:0859253, OMIM 619884.
Microcephaly 19, primary, autosomal recessive. Identifiers: MedGen C4540488, MONDO:0054716, OMIM 617800.

Submission:

Juno Genomics, Hangzhou Juno Genomics, Inc
Classification: Uncertain significance for Microcephaly 19, primary, autosomal recessive; Osteoporosis, childhood- or juvenile-onset, with developmental delay. Review status: criteria provided, single submitter. Criteria: ACMG Guidelines, 2015. Collection method: clinical testing. Allele origin: germline.
Comment: Absent from controls (or at extremely low frequency if recessive) in Genome Aggregation Database.;Missense variant in a gene that has a low rate of benign missense variation.;Multiple lines of computational evidence support a deleterious effect on the gene or gene product.

NM_004766.3(COPB2):c.1753T>C (p.Tyr585His)

Gene: COPB2 (coat protein complex I subunit beta 2; minus strand). Cytogenetic location: 3q23.
Variant type: single nucleotide variant.
Coding change: c.1753T>C on transcript NM_004766.3 (MANE Select); coding-DNA position 1753, T replaced by C.
Protein change: p.Tyr585His; replaces tyrosine 585 with histidine.
Molecular consequence: missense variant. On other transcripts: non-coding transcript variant (1).
Genome position (GRCh38, 1-based): chr3:139,366,699, A>G on the plus strand (T>C on the coding strand, the complement: COPB2 is on the minus strand). VCF-style: chr3-139366699-A-G. GRCh37 (hg19) VCF-style: chr3-139085541-A-G.
Other names: c.1666T>C, p.Tyr556His (NM_001410834.1); short protein forms Y556H, Y585H.
Identifiers: ClinVar variation 5006557 (VCV005006557.2).
Genomic context (GRCh38, chr3:139,366,699, plus strand): 5'-TGCTAAAGTCCCTCCGCATGACAGCTGTCTGGTATTCCAGGACTGAAACCAGCAGGGAAT[A>G]GCTAATGATGTTCAATTCTTTATCCCCCAGATAAAGCCTGTTGTCTTTAGGAATGTAGCC-3'
Protein context (NP_004757.1, residues 575-595): LGDKELNIIS[Tyr585His]SLLVSVLEYQ